The following is an entry in ClinVar:

NM_024675.4(PALB2):c.2602T>G (p.Cys868Gly)

Gene: PALB2 (partner and localizer of BRCA2; minus strand). Cytogenetic location: 16p12.2.
Variant type: single nucleotide variant.
Coding change: c.2602T>G on transcript NM_024675.4 (MANE Select); coding-DNA position 2602, T replaced by G.
Protein change: p.Cys868Gly; replaces cysteine 868 with glycine.
Molecular consequence: missense variant.
Genome position (GRCh38, 1-based): chr16:23,626,382, A>C on the plus strand (T>G on the coding strand, the complement: PALB2 is on the minus strand). VCF-style: chr16-23626382-A-C. GRCh37 (hg19) VCF-style: chr16-23637703-A-C.
Other names: short protein forms C868G.
Identifiers: ClinVar variation 460948 (VCV000460948.7), dbSNP rs1555460026, ClinGen allele CA395122236.

ClinVar aggregate classification (germline): Uncertain significance (1 of 4 stars; one submission).

Conditions:
Familial cancer of breast. Also called: BREAST CANCER, FAMILIAL; Hereditary breast cancer; hereditary breast carcinoma. Identifiers: Orphanet 227535, MedGen C0346153, MONDO:0016419, OMIM 114480. Disease mechanism: loss of function.

Submission:

Labcorp Genetics (formerly Invitae), Labcorp
Classification: Uncertain significance for Familial cancer of breast. Last evaluated: 2021-11-19. Review status: criteria provided, single submitter. Criteria: Invitae Variant Classification Sherloc (09022015). Collection method: clinical testing. Allele origin: germline.
Comment: In summary, the available evidence is currently insufficient to determine the role of this variant in disease. Therefore, it has been classified as a Variant of Uncertain Significance. Algorithms developed to predict the effect of missense changes on protein structure and function (SIFT, PolyPhen-2, Align-GVGD) all suggest that this variant is likely to be disruptive. ClinVar contains an entry for this variant (Variation ID: 460948). This variant has not been reported in the literature in individuals affected with PALB2-related conditions. This variant is not present in population databases (gnomAD no frequency). This sequence change replaces cysteine, which is neutral and slightly polar, with glycine, which is neutral and non-polar, at codon 868 of the PALB2 protein (p.Cys868Gly).